The following is an entry in ClinVar:

NM_000260.4(MYO7A):c.2253del (p.Gln752fs)

Gene: MYO7A (myosin VIIA; plus strand). Cytogenetic location: 11q13.5.
Variant type: Deletion.
Coding change: c.2253del on transcript NM_000260.4 (MANE Select); coding-DNA position 2253, one base deleted (T; older notation c.2253delT).
Protein change: p.Gln752fs; shifts the reading frame from glutamine 752.
Molecular consequence: frameshift variant.
Genome position (GRCh38, 1-based): chr11:77,177,614, T deleted; the last of 2 consecutive T bases (chr11:77,177,613-77,177,614); deleting either gives the same sequence. VCF-style (leftmost placement, unchanged base first): chr11-77177612-CT-C. GRCh37 (hg19) VCF-style: chr11-76888658-CT-C.
Other names: c.2253del, p.Gln752fs (NM_001127180.2); c.2220del, p.Gln741fs (NM_001369365.1); short protein forms Q741fs, Q752fs.
Identifiers: ClinVar variation 1725885 (VCV001725885.5), dbSNP rs2497127256, ClinGen allele CA2580084943.

ClinVar aggregate classification (germline): Pathogenic/Likely pathogenic. Review status: criteria provided, multiple submitters, no conflicts (2 of 4 stars). 2 submissions from 2 submitters: Pathogenic (1); Likely pathogenic (1). Last evaluated 2023-09-27.

Conditions:
Usher syndrome type 1 (USH1). Also called: RETINITIS PIGMENTOSA AND CONGENITAL DEAFNESS. Identifiers: Orphanet 231169, Orphanet 886, MedGen C1568247, MONDO:0010168, OMIM 276900.

Submissions (2):

Labcorp Genetics (formerly Invitae), Labcorp
Classification: Pathogenic. Last evaluated: 2023-09-27. Review status: criteria provided, single submitter. Criteria: Invitae Variant Classification Sherloc (09022015). Collection method: clinical testing. Allele origin: germline.
Comment: For these reasons, this variant has been classified as Pathogenic. ClinVar contains an entry for this variant (Variation ID: 1725885). This variant has not been reported in the literature in individuals affected with MYO7A-related conditions. This variant is not present in population databases (gnomAD no frequency). This sequence change creates a premature translational stop signal (p.Gln752Argfs*14) in the MYO7A gene. It is expected to result in an absent or disrupted protein product. Loss-of-function variants in MYO7A are known to be pathogenic (PMID: 8900236, 25404053).

Myriad Genetics, Inc.
Classification: Likely pathogenic for Usher syndrome type 1. Last evaluated: 2022-04-05. Review status: criteria provided, single submitter. Criteria: Myriad Women's Health Autosomal Recessive and X-Linked Classification Criteria (2021). Collection method: clinical testing. Allele origin: unknown.
Comment: NM_000260.3(MYO7A):c.2253delT(Q752Rfs*14) is expected to be pathogenic in the context of MYO7A-related disorders. This variant is predicted to lead to an abnormal or absent protein product due to the creation of a premature termination codon in MYO7A, a gene where loss-of-function variants are known to be pathogenic. Please note: this variant was assessed in the context of healthy population screening.

Literature cited by the submitters: PubMed 8900236 (cited by Labcorp Genetics (formerly Invitae), Labcorp); PubMed 25404053 (cited by Labcorp Genetics (formerly Invitae), Labcorp).